The following is an entry in ClinVar:

ClinVar aggregate classification (germline): Uncertain significance. Review status: criteria provided, multiple submitters, no conflicts (2 of 4 stars). 3 submissions from 3 submitters: Uncertain significance (3). Last evaluated 2025-11-13.

Conditions:
IFT74-related disorder. Also called: IFT74-related condition; IFT74-Related Disorders.
Inborn genetic diseases. Identifiers: MedGen C0950123, MeSH D030342.

Allele frequency attached by ClinVar (database versions not stated): gnomAD exomes 0.00001; gnomAD 0.00002; ExAC 0.00004; TOPMed 0.00005.

Submissions (3):

PreventionGenetics, part of Exact Sciences
Classification: Uncertain significance for IFT74-related condition. Last evaluated: 2025-11-13. Review status: criteria provided, single submitter. Criteria: ACMG Guidelines, 2015. Collection method: clinical testing. Allele origin: germline.
Comment: The IFT74 c.205C>T variant is predicted to result in the amino acid substitution p.His69Tyr. To our knowledge, this variant has not been reported in the literature. This variant is reported in 0.026% of alleles in individuals of Latino descent in gnomAD. At this time, the clinical significance of this variant is uncertain due to the absence of conclusive functional and genetic evidence.

Ambry Genetics
Classification: Uncertain significance for Inborn genetic diseases. Last evaluated: 2024-10-26. Review status: criteria provided, single submitter. Criteria: Ambry Variant Classification Scheme 2023. Collection method: clinical testing. Allele origin: germline.

Labcorp Genetics (formerly Invitae), Labcorp
Classification: Uncertain significance. Last evaluated: 2024-01-08. Review status: criteria provided, single submitter. Criteria: Invitae Variant Classification Sherloc (09022015). Collection method: clinical testing. Allele origin: germline.
Comment: This sequence change replaces histidine, which is basic and polar, with tyrosine, which is neutral and polar, at codon 69 of the IFT74 protein (p.His69Tyr). This variant is present in population databases (rs756493710, gnomAD 0.02%). This variant has not been reported in the literature in individuals affected with IFT74-related conditions. ClinVar contains an entry for this variant (Variation ID: 2163943). An algorithm developed to predict the effect of missense changes on protein structure and function (PolyPhen-2) suggests that this variant¬†is likely to be tolerated. In summary, the available evidence is currently insufficient to determine the role of this variant in disease. Therefore, it has been classified as a Variant of Uncertain Significance.

NM_025103.4(IFT74):c.205C>T (p.His69Tyr)

Gene: IFT74 (intraflagellar transport 74; plus strand). Cytogenetic location: 9p21.2.
Variant type: single nucleotide variant.
Coding change: c.205C>T on transcript NM_025103.4 (MANE Select); coding-DNA position 205, C replaced by T.
Protein change: p.His69Tyr; replaces histidine 69 with tyrosine.
Molecular consequence: missense variant.
Genome position (GRCh38, 1-based): chr9:26,978,212, C>T. VCF-style: chr9-26978212-C-T. GRCh37 (hg19) VCF-style: chr9-26978210-C-T.
Other names: c.205C>T (NM_001099222.1, NM_025103.2); c.205C>T, p.His69Tyr (NM_001099222.3, NM_001099223.3, NM_001099224.3 and 1 more transcripts); short protein forms H69Y.
Identifiers: ClinVar variation 2163943 (VCV002163943.5), dbSNP rs756493710, ClinGen allele CA5014849.